The following is an entry in ClinVar:

NM_017755.6(NSUN2):c.1796G>A (p.Cys599Tyr)

Gene: NSUN2 (NOP2/Sun RNA methyltransferase 2; minus strand). Cytogenetic location: 5p15.31.
Variant type: single nucleotide variant.
Coding change: c.1796G>A on transcript NM_017755.6 (MANE Select); coding-DNA position 1796, G replaced by A.
Protein change: p.Cys599Tyr; replaces cysteine 599 with tyrosine.
Molecular consequence: missense variant. On other transcripts: non-coding transcript variant (1).
Genome position (GRCh38, 1-based): chr5:6,604,627, C>T on the plus strand (G>A on the coding strand, the complement: NSUN2 is on the minus strand). VCF-style: chr5-6604627-C-T. GRCh37 (hg19) VCF-style: chr5-6604740-C-T.
Other names: c.1691G>A, p.Cys564Tyr (NM_001193455.2); short protein forms C564Y, C599Y.
Identifiers: ClinVar variation 3899622 (VCV003899622.1).
Genomic context (GRCh38, chr5:6,604,627, plus strand): 5'-CTGTGGCTACTGCTGTTCAAATCCACTTCCAAAATTACCTCCTGTGCCAGCCGGAAAGCA[C>T]AGTCAAACTCTTCACCGCTGTTATTTCTACACCAGACTTTGATCCCCGTGTTAATAACCT-3'
Protein context (NP_060225.4, residues 589-609): CRNNSGEEFD[Cys599Tyr]AFRLAQEGIY

ClinVar aggregate classification (germline): Uncertain significance (1 of 4 stars; one submission).

Submission:

GeneDx
Classification: Uncertain significance. Last evaluated: 2024-11-13. Review status: criteria provided, single submitter. Criteria: GeneDx Variant Classification Process June 2021. Collection method: clinical testing. Allele origin: germline. Affected: yes.
Comment: Not observed at significant frequency in large population cohorts (gnomAD); In silico analysis supports that this missense variant has a deleterious effect on protein structure/function; Has not been previously published as pathogenic or benign to our knowledge